The following is an entry in ClinVar:

ClinVar aggregate classification (germline): Uncertain significance (1 of 4 stars; one submission).

Conditions:
Inborn genetic diseases. Identifiers: MedGen C0950123, MeSH D030342.

Submission:

Ambry Genetics
Classification: Uncertain significance for Inborn genetic diseases. Last evaluated: 2019-10-23. Review status: criteria provided, single submitter. Criteria: Ambry Variant Classification Scheme 2023. Collection method: clinical testing. Allele origin: germline.
Comment: The c.2014_2015ins42 variant (also known as p.E658_K671dup), located in coding exon 4 of the NEFH gene, results from an in-frame 42 nucleotide insertion at nucleotide positions 2014 to 2015. This results in the duplication of 14 residues from codons 658 to 671. Since supporting evidence is limited at this time, the clinical significance of this alteration remains unclear.

Literature cited by the submitters: PubMed 23056405.

NM_021076.4(NEFH):c.2014_2015insAAGAAGCAAAGTCCCCTGAGAAGGCCAAGTCCCCAGTGAAGG (p.Lys671_Ala672insGluGluAlaLysSerProGluLysAlaLysSerProValLys)

Gene: NEFH (neurofilament heavy chain; plus strand). Cytogenetic location: 22q12.2.
Variant type: Insertion.
Coding change: c.2014_2015insAAGAAGCAAAGTCCCCTGAGAAGGCCAAGTCCCCAGTGAAGG on transcript NM_021076.4 (MANE Select); coding-DNA positions 2014 to 2015, AAGAAGCAAAGTCCCCTGAGAAGGCCAAGTCCCCAGTGAAGG inserted.
Protein change: p.Lys671_Ala672insGluGluAlaLysSerProGluLysAlaLysSerProValLys.
Molecular consequence: inframe insertion.
Genome position: GRCh38: chr22:29,489,654-29,489,655. GRCh37 (hg19): chr22:29,885,643-29,885,644.
Identifiers: ClinVar variation 1784447 (VCV001784447.2), dbSNP rs2517978056, ClinGen allele CA2580099471.
Genomic context (GRCh38, chr22:29,489,620, plus strand): 5'-TCCAACGAAGGAGGAAGCAAAGTCCCCTGAGAAGGCCAAGTCCCCAGAGAAGGAAGAGGC[C>CAAGTCCCCTGAGAAGGCCAAGTCCCCAGTGAAGGAAGAAGCA]AAGTCCCCTGAGAAGGCCAAGTCCCCAGTGAAGGCAGAAGCAAAGTCCCCTGAGAAGGCC-3'